The following is an entry in ClinVar:

ClinVar aggregate classification (germline): Uncertain significance (1 of 4 stars; one submission).

Conditions:
FG syndrome (FGS). Identifiers: MedGen C0220769, MONDO:0002010.

Submission:

Labcorp Genetics (formerly Invitae), Labcorp
Classification: Uncertain significance for FG syndrome. Last evaluated: 2025-02-20. Review status: criteria provided, single submitter. Criteria: Invitae Variant Classification Sherloc (09022015). Collection method: clinical testing. Allele origin: germline.
Comment: This sequence change replaces isoleucine, which is neutral and non-polar, with threonine, which is neutral and polar, at codon 1839 of the MED12 protein (p.Ile1839Thr). This variant is not present in population databases (gnomAD no frequency). This variant has not been reported in the literature in individuals affected with MED12-related conditions. Invitae Evidence Modeling of protein sequence and biophysical properties (such as structural, functional, and spatial information, amino acid conservation, physicochemical variation, residue mobility, and thermodynamic stability) indicates that this missense variant is not expected to disrupt MED12 protein function with a negative predictive value of 95%. In summary, the available evidence is currently insufficient to determine the role of this variant in disease. Therefore, it has been classified as a Variant of Uncertain Significance.

NM_005120.3(MED12):c.5516T>C (p.Ile1839Thr)

Gene: MED12 (mediator complex subunit 12; plus strand). Cytogenetic location: Xq13.1.
Variant type: single nucleotide variant.
Coding change: c.5516T>C on transcript NM_005120.3 (MANE Select); coding-DNA position 5516, T replaced by C.
Protein change: p.Ile1839Thr; replaces isoleucine 1839 with threonine.
Molecular consequence: missense variant.
Genome position (GRCh38, 1-based): chrX:71,136,994, T>C. VCF-style: chrX-71136994-T-C. GRCh37 (hg19) VCF-style: chrX-70356844-T-C.
Other names: short protein forms I1839T.
Identifiers: ClinVar variation 4801084 (VCV004801084.1).